The following is an entry in ClinVar:

ClinVar aggregate classification (germline): Uncertain significance (1 of 4 stars; one submission).

Allele frequency attached by ClinVar (database versions not stated): gnomAD exomes below 0.00001.
gnomAD v4.1: 2 of 1,613,334 alleles (0.00012%); highest among the groups gnomAD compares: African/African-American, 0.0027%; no homozygotes.

Submission:

Labcorp Genetics (formerly Invitae), Labcorp
Classification: Uncertain significance. Last evaluated: 2022-03-05. Review status: criteria provided, single submitter. Criteria: Invitae Variant Classification Sherloc (09022015). Collection method: clinical testing. Allele origin: germline.
Comment: This sequence change replaces tyrosine, which is neutral and polar, with cysteine, which is neutral and slightly polar, at codon 691 of the NBAS protein (p.Tyr691Cys). This variant is not present in population databases (gnomAD no frequency). This variant has not been reported in the literature in individuals affected with NBAS-related conditions. Algorithms developed to predict the effect of missense changes on protein structure and function (SIFT, PolyPhen-2, Align-GVGD) all suggest that this variant is likely to be disruptive. In summary, the available evidence is currently insufficient to determine the role of this variant in disease. Therefore, it has been classified as a Variant of Uncertain Significance.

NM_015909.4(NBAS):c.2072A>G (p.Tyr691Cys)

Gene: NBAS (NBAS subunit of NRZ tethering complex; minus strand). Cytogenetic location: 2p24.3.
Variant type: single nucleotide variant.
Coding change: c.2072A>G on transcript NM_015909.4 (MANE Select); coding-DNA position 2072, A replaced by G.
Protein change: p.Tyr691Cys; replaces tyrosine 691 with cysteine.
Molecular consequence: missense variant. On other transcripts: non-coding transcript variant (1).
Genome position (GRCh38, 1-based): chr2:15,467,354, T>C on the plus strand (A>G on the coding strand, the complement: NBAS is on the minus strand). VCF-style: chr2-15467354-T-C. GRCh37 (hg19) VCF-style: chr2-15607478-T-C.
Other names: short protein forms Y691C.
Identifiers: ClinVar variation 2107146 (VCV002107146.4), dbSNP rs2528104215, ClinGen allele CA345882296.